The following is an entry in ClinVar:

NM_006885.4(ZFHX3):c.9591GCA[10] (p.Gln3204_Pro3205insGlnGlnGln)

Genes: ZFHX3 (zinc finger homeobox 3; minus strand), ZFHX3-AS1 (ZFHX3 antisense RNA 1; plus strand). Cytogenetic location: 16q22.2.
Variant type: Microsatellite.
Coding change: c.9591GCA[10] on transcript NM_006885.4 (MANE Select); ten copies in a row of the 3-base unit GCA starting at c.9591; the reference has seven copies in a row; three copies, 9 bases duplicated.
Protein change: p.Gln3204_Pro3205insGlnGlnGln.
Genome position (GRCh38, 1-based): chr16:72,788,665-72,788,673, TGCTGCTGC duplicated on the plus strand (GCAGCAGCA on the coding strand, the reverse complement: ZFHX3 is on the minus strand); duplicating any 9 consecutive bases within chr16:72,788,665-72,788,687 gives the same sequence; the position shown is the placement nearest the transcript's 3' end. VCF-style (leftmost placement, unchanged base first): chr16-72788664-T-TTGCTGCTGC. GRCh37 (hg19) VCF-style: chr16-72822563-T-TTGCTGCTGC.
Other names: c.6849GCA[10], p.Gln2290_Pro2291insGlnGlnGln (NM_001164766.2); c.9591GCA[10], p.Gln3204_Pro3205insGlnGlnGln (NM_001386735.1).
Identifiers: ClinVar variation 3050044 (VCV003050044.2), dbSNP rs376311468, ClinGen allele CA8162803.

ClinVar aggregate classification (germline): Benign (0 of 4 stars; one submission).

Conditions:
ZFHX3-related disorder. Also called: ZFHX3-related condition.

Submission:

PreventionGenetics, part of Exact Sciences
Classification: Benign for ZFHX3-related condition. Last evaluated: 2019-10-31. Review status: no assertion criteria provided. Collection method: clinical testing. Allele origin: germline.
Comment: This variant is classified as benign based on ACMG/AMP sequence variant interpretation guidelines (Richards et al. 2015 PMID: 25741868, with internal and published modifications).